The following is an entry in ClinVar:

NM_017849.4(TMEM127):c.163C>A (p.His55Asn)

Gene: TMEM127 (transmembrane protein 127; minus strand). Cytogenetic location: 2q11.2.
Variant type: single nucleotide variant.
Coding change: c.163C>A on transcript NM_017849.4 (MANE Select); coding-DNA position 163, C replaced by A.
Protein change: p.His55Asn; replaces histidine 55 with asparagine.
Molecular consequence: missense variant. On other transcripts: intron variant (1).
Genome position (GRCh38, 1-based): chr2:96,265,219, G>T on the plus strand (C>A on the coding strand, the complement: TMEM127 is on the minus strand). VCF-style: chr2-96265219-G-T. GRCh37 (hg19) VCF-style: chr2-96930957-G-T.
Other names: c.-9+650C>A (NM_001407283.1); c.163C>A, p.His55Asn (NM_001193304.3); short protein forms H55N.
Identifiers: ClinVar variation 5030919 (VCV005030919.1).

ClinVar aggregate classification (germline): Uncertain significance (1 of 4 stars; one submission).

Conditions:
Hereditary cancer-predisposing syndrome. Also called: Neoplastic Syndromes, Hereditary; Tumor predisposition; Hereditary neoplastic syndrome; Hereditary Cancer Syndrome. Identifiers: Orphanet 140162, MedGen C0027672, MeSH D009386, MONDO:0015356.

Submission:

Ambry Genetics
Classification: Uncertain significance for Hereditary cancer-predisposing syndrome. Last evaluated: 2026-07-07. Review status: criteria provided, single submitter. Criteria: Ambry Variant Classification Scheme 2023. Collection method: clinical testing. Allele origin: germline.
Comment: The p.H55N variant (also known as c.163C>A), located in coding exon 1 of the TMEM127 gene, results from a C to A substitution at nucleotide position 163. The histidine at codon 55 is replaced by asparagine, an amino acid with similar properties. This amino acid position is conserved. In addition, this alteration is predicted to be tolerated by in silico analysis. Based on the available evidence, the clinical significance of this variant remains unclear.